The following is an entry in ClinVar:

ClinVar aggregate classification (germline): Likely benign. Review status: criteria provided, single submitter (1 of 4 stars). 2 submissions from 2 submitters: Likely benign (1). 1 of the submissions does not count toward it. Last evaluated 2017-12-08.

Conditions:
PIEZO1-related disorder. Also called: PIEZO1-related condition; PIEZO1-Related Disorders.

Allele frequency attached by ClinVar (database versions not stated): 1000 Genomes Project 0.00020; TOPMed 0.00005; 1000 Genomes Project 30x 0.00016; gnomAD 0.00004.
gnomAD v4.1: 37 of 1,546,528 alleles (0.0024%); highest among the groups gnomAD compares: Non-Finnish European, 0.003%; no homozygotes.

Submissions (2):

Labcorp Genetics (formerly Invitae), Labcorp
Classification: Likely benign. Last evaluated: 2017-12-08. Review status: criteria provided, single submitter. Criteria: Invitae Variant Classification Sherloc (09022015). Collection method: clinical testing. Allele origin: germline.

PreventionGenetics, part of Exact Sciences
Classification: Likely benign for PIEZO1-related condition. Last evaluated: 2020-07-25. Review status: no assertion criteria provided. Collection method: clinical testing. Allele origin: germline. Not counted in ClinVar's aggregate classification.
Comment: This variant is classified as likely benign based on ACMG/AMP sequence variant interpretation guidelines (Richards et al. 2015 PMID: 25741868, with internal and published modifications).

NM_001142864.4(PIEZO1):c.4968C>A (p.Ile1656=)

Gene: PIEZO1 (piezo type mechanosensitive ion channel component 1 (Er blood group); minus strand). Cytogenetic location: 16q24.3.
Variant type: single nucleotide variant.
Coding change: c.4968C>A on transcript NM_001142864.4 (MANE Select); coding-DNA position 4968, C replaced by A.
Protein change: p.Ile1656=; no amino-acid change (isoleucine 1656 retained).
Molecular consequence: synonymous variant.
Genome position (GRCh38, 1-based): chr16:88,722,054, G>T on the plus strand (C>A on the coding strand, the complement: PIEZO1 is on the minus strand). VCF-style: chr16-88722054-G-T. GRCh37 (hg19) VCF-style: chr16-88788462-G-T.
Identifiers: ClinVar variation 734723 (VCV000734723.5), dbSNP rs532725190, ClinGen allele CA286409692.